The following is an entry in ClinVar:

ClinVar aggregate classification (germline): Pathogenic/Likely pathogenic. Review status: criteria provided, multiple submitters, no conflicts (2 of 4 stars). 6 submissions from 6 submitters: Pathogenic (3); Likely pathogenic (1). 2 of the submissions do not count toward it. Last evaluated 2025-10-02.

Conditions:
Mitochondrial disease. Also called: Mitochondrial disorder; Mitochondrial disorders. Identifiers: Orphanet 68380, MedGen C0751651, MeSH D028361, MONDO:0044970.
Infantile onset spinocerebellar ataxia (MTDPS7). Also called: Mitochondrial DNA depletion syndrome 7 (hepatocerebral type); OHAHA SYNDROME; SPINOCEREBELLAR ATAXIA, INFANTILE, WITH SENSORY NEUROPATHY; OPHTHALMOPLEGIA, HYPOTONIA, ATAXIA, HYPOACUSIS, AND ATHETOSIS. Identifiers: Orphanet 1186, MedGen C1849096, MONDO:0010060, OMIM 271245.
Progressive external ophthalmoplegia with mitochondrial DNA deletions, autosomal dominant 3. Also called: PROGRESSIVE EXTERNAL OPHTHALMOPLEGIA, AUTOSOMAL DOMINANT 3. Identifiers: MedGen C1836439, MONDO:0012241, OMIM 609286.
Progressive external ophthalmoplegia with mitochondrial DNA deletions, digenic. Identifiers: MedGen C1868097.

Allele frequency attached by ClinVar (database versions not stated): gnomAD exomes below 0.00001.

Submissions (6):

Labcorp Genetics (formerly Invitae), Labcorp
Classification: Pathogenic. Last evaluated: 2025-10-02. Review status: criteria provided, single submitter. Criteria: Invitae Variant Classification Sherloc (09022015). Collection method: clinical testing. Allele origin: germline.
Comment: This sequence change replaces arginine, which is basic and polar, with glutamine, which is neutral and polar, at codon 334 of the TWNK protein (p.Arg334Gln). This variant is not present in population databases (gnomAD no frequency). This missense change has been observed in individuals with clinical features of autosomal dominant progressive external ophthalmoplegia with mitochondrial DNA deletions (PMID: 12707443, 18973250, 24086434; internal data). It has also been observed to segregate with disease in related individuals. ClinVar contains an entry for this variant (Variation ID: 4623). Invitae Evidence Modeling of protein sequence and biophysical properties (such as structural, functional, and spatial information, amino acid conservation, physicochemical variation, residue mobility, and thermodynamic stability) indicates that this missense variant is expected to disrupt TWNK protein function with a positive predictive value of 80%. Experimental studies are conflicting or provide insufficient evidence to determine the effect of this variant on TWNK function (PMID: 19084593, 20659899, 30496414). This variant disrupts the p.Arg334 amino acid residue in TWNK. Other variant(s) that disrupt this residue have been determined to be pathogenic (PMID: 18575922). This suggests that this residue is clinically significant, and that variants that disrupt this residue are likely to be disease-causing. For these reasons, this variant has been classified as Pathogenic.

MGZ Medical Genetics Center
Classification: Likely pathogenic for Progressive external ophthalmoplegia with mitochondrial DNA deletions, autosomal dominant 3. Last evaluated: 2021-12-08. Review status: criteria provided, single submitter. Criteria: ACMG Guidelines, 2015. Collection method: clinical testing. Allele origin: germline. Affected: yes. Observed: 1 variant allele.
Comment: ACMG criteria applied: PS4, PM2_SUP, PP3

CeGaT Center for Human Genetics Tuebingen
Classification: Pathogenic. Last evaluated: 2016-08-01. Review status: criteria provided, single submitter. Criteria: CeGaT Center For Human Genetics Tuebingen Variant Classification Criteria Version 2. Collection method: clinical testing. Allele origin: germline. Affected: yes. Observed: 1 variant allele.

Genomics England Pilot Project, Genomics England
Classification: Pathogenic for Infantile onset spinocerebellar ataxia. Review status: criteria provided, single submitter. Criteria: ACGS Guidelines, 2016. Collection method: clinical testing. Allele origin: germline. Affected: yes.

Mitochondrial Research Group, Newcastle University
Classification: Pathogenic for Mitochondrial disease. Last evaluated: 2017-04-07. Review status: no assertion criteria provided. Collection method: clinical testing. Allele origin: germline. Affected: yes. Observed: 3 variant alleles. Not counted in ClinVar's aggregate classification.

OMIM
Classification: Pathogenic for PROGRESSIVE EXTERNAL OPHTHALMOPLEGIA WITH MITOCHONDRIAL DNA DELETIONS, DIGENIC. Last evaluated: 2003-08-01. Review status: no assertion criteria provided. Collection method: literature only. Allele origin: germline. Not counted in ClinVar's aggregate classification.

Literature cited by the submitters: PubMed 12707443 (cited by Labcorp Genetics (formerly Invitae), Labcorp); PubMed 18973250 (cited by Labcorp Genetics (formerly Invitae), Labcorp); PubMed 24086434 (cited by Labcorp Genetics (formerly Invitae), Labcorp); PubMed 19084593 (cited by Labcorp Genetics (formerly Invitae), Labcorp); PubMed 20659899 (cited by Labcorp Genetics (formerly Invitae), Labcorp); PubMed 30496414 (cited by Labcorp Genetics (formerly Invitae), Labcorp); PubMed 18575922 (cited by Labcorp Genetics (formerly Invitae), Labcorp); PubMed 28812649 (cited by Mitochondrial Research Group, Newcastle University); PubMed 12872260 (cited by OMIM).

NM_021830.5(TWNK):c.1001G>A (p.Arg334Gln)

Gene: TWNK (twinkle mtDNA helicase; plus strand). Cytogenetic location: 10q24.31.
Variant type: single nucleotide variant.
Coding change: c.1001G>A on transcript NM_021830.5 (MANE Select); coding-DNA position 1001, G replaced by A.
Protein change: p.Arg334Gln; replaces arginine 334 with glutamine.
Molecular consequence: missense variant. On other transcripts: non-coding transcript variant (4), intron variant (3).
Genome position (GRCh38, 1-based): chr10:100,989,211, G>A. VCF-style: chr10-100989211-G-A. GRCh37 (hg19) VCF-style: chr10-102748968-G-A.
Other names: c.1001G>A, p.Arg334Gln (NM_001163812.2); c.-119-433G>A (NM_001163814.2, NM_001163813.2); c.-57-495G>A (NM_001368275.1); short protein forms R334Q.
Identifiers: ClinVar variation 4623 (VCV000004623.50), dbSNP rs28937887, ClinGen allele CA116965.
Genomic context (GRCh38, chr10:100,989,211, plus strand): 5'-CCTGGGAAGCCGCCAAGTTGTTTGCACGAAAACTGAACCCCAAACGATGCTTCTTGGTGC[G>A]ACCAGGAGACCAGCAACCCCGTCCCCTGGAGGCCCTGAACGGAGGCTTCAATCTTTCTCG-3'
Protein context (NP_068602.2, residues 324-344): KLNPKRCFLV[Arg334Gln]PGDQQPRPLE